The following is an entry in ClinVar:

ClinVar aggregate classification (germline): Pathogenic/Likely pathogenic. Review status: criteria provided, multiple submitters, no conflicts (2 of 4 stars). 7 submissions from 7 submitters: Pathogenic (5); Likely pathogenic (1). 1 of the submissions does not count toward it. Last evaluated 2026-08-06.

Conditions:
Inborn genetic diseases. Identifiers: MedGen C0950123, MeSH D030342.
Juvenile nephropathic cystinosis. Also called: Later-Onset (Juvenile) Cystinosis; CYSTINOSIS, LATE-ONSET JUVENILE OR ADOLESCENT NEPHROPATHIC TYPE; Intermediate Cystinosis. Identifiers: Orphanet 213, Orphanet 411634, MedGen C0268626, MONDO:0009066, OMIM 219900.
Ocular cystinosis. Also called: Non-Nephropathic (Ocular) Cystinosis; Non-Nephropathic Cystinosis. Identifiers: Orphanet 213, Orphanet 411641, MedGen C2931013, MONDO:0009064, OMIM 219750.
Cystinosis. Also called: Cystine diathesis; Cystine storage disease; Cystinoses. Identifiers: Orphanet 213, MedGen C4316899, MONDO:0016239.
Nephropathic cystinosis (CTNS). Also called: CYSTINOSIN, DEFECT OF; LYSOSOMAL CYSTINE TRANSPORT PROTEIN, DEFECT OF; Abderhalden Lignac Kaufmann disease; Abderhalden-Kaufmann-Lignac syndrome. Identifiers: Orphanet 213, Orphanet 411629, MedGen C2931187, MONDO:0100151, OMIM 219800.

Allele frequency attached by ClinVar (database versions not stated): gnomAD exomes 0.00001; gnomAD 0.00001; TOPMed 0.00002.

Submissions (7):

OLLIN Analises Genomicas, OLLIN
Classification: Likely pathogenic for Ocular cystinosis. Last evaluated: 2026-08-06. Review status: criteria provided, single submitter. Criteria: ACMG Guidelines 2015 PMID 25741868. Collection method: clinical testing. Allele origin: germline. Inheritance: Autosomal recessive inheritance.
Comment: This missense variant, located in exon 9 (of 12), has been reported in ClinVar (accession VCV000021440.16), in gnomAD with an allele frequency of 0.0011%, and in the scientific literature, in compound heterozygosity, in individuals with CTNS related disorders (PMID: 15128704, 22232659, 9792862). Functional studies suggest that this variant may affect protein function, and in silico analysis predicts a deleterious effect (PMID: 15128704, 22232659). According to the currently available evidence, this variant has been classified as likely pathogenic (PS3_P, PM2_P, PM3_S, PP3_M).

Labcorp Genetics (formerly Invitae), Labcorp
Classification: Pathogenic for Inborn genetic diseases; Ocular cystinosis; Juvenile nephropathic cystinosis. Last evaluated: 2025-11-16. Review status: criteria provided, single submitter. Criteria: Invitae Variant Classification Sherloc (09022015). Collection method: clinical testing. Allele origin: germline.
Comment: This sequence change replaces aspartic acid, which is acidic and polar, with asparagine, which is neutral and polar, at codon 205 of the CTNS protein (p.Asp205Asn). This variant is present in population databases (rs113994208, gnomAD 0.003%). This missense change has been observed in individual(s) with cystinosis (PMID: 9792862, 22528245, 28983406). ClinVar contains an entry for this variant (Variation ID: 21440). Invitae Evidence Modeling of protein sequence and biophysical properties (such as structural, functional, and spatial information, amino acid conservation, physicochemical variation, residue mobility, and thermodynamic stability) indicates that this missense variant is expected to disrupt CTNS protein function with a positive predictive value of 80%. Experimental studies have shown that this missense change affects CTNS function (PMID: 15128704, 22232659). For these reasons, this variant has been classified as Pathogenic.

GeneDx
Classification: Pathogenic. Last evaluated: 2025-03-18. Review status: criteria provided, single submitter. Criteria: GeneDx Variant Classification Process June 2021. Collection method: clinical testing. Allele origin: germline.
Comment: Observed in apparent homozygous state in at least two individuals in the literature with nephropathic cystinosis and not observed in homozygous state in controls (PMID: 22528245, 28983406); Published functional studies demonstrate a damaging effect: abolished cystine transport (PMID: 15128704, 22232659); Not observed at significant frequency in large population cohorts (gnomAD); In silico analysis supports that this missense variant has a deleterious effect on protein structure/function; This variant is associated with the following publications: (PMID: 35571017, 28186126, 34237326, Ghazi2017[casereport], 35513889, 20301574, 28793998, 30949462, 36113465, 28983406, 22528245, 9792862, 15128704, 22232659)

Natera, Inc.
Classification: Pathogenic for Cystinosis. Last evaluated: 2024-08-13. Review status: criteria provided, single submitter. Criteria: Natera Variant Classification Schema (03/2026). Collection method: clinical testing. Allele origin: germline.
Comment: The c.613G>A variant in CTNS is a missense variant predicted to cause substitution of aspartic acid to asparagine at amino acid 205. This variant is rare in the general population with a frequency below the threshold expected for the associated phenotype(s). This variant has been observed in one or more individuals affected with the associated recessive disease, as either homozygous or compound heterozygous with a second variant (PMID: 28983406, 22528245). Given the available evidence, this variant is classified as Pathogenic.

Baylor Genetics
Classification: Pathogenic for Nephropathic cystinosis. Last evaluated: 2024-03-20. Review status: criteria provided, single submitter. Criteria: ACMG Guidelines, 2015. Collection method: clinical testing. Allele origin: unknown.

Women's Health and Genetics/Laboratory Corporation of America, LabCorp
Classification: Pathogenic for Cystinosis. Last evaluated: 2017-07-05. Review status: criteria provided, single submitter. Criteria: LabCorp Variant Classification Summary - May 2015. Collection method: clinical testing. Allele origin: germline.
Comment: Variant summary: The CTNS c.613G>A (p.Asp205Asn) variant causes a missense change involving the alteration of a conserved nucleotide. 4/5 in silico tools predict a damaging outcome for this variant. Multiple studies confirmed that this variant is abolishing cysteine transport (Kalatzis_HMG_2004, Ruivo_PNAS_2011). The variant of interest has not been found in a large, broad control population, ExAC in 120966 control chromosomes and was found in gnomAD in 2/246212 at a frequency of 0.000008123 which does not exceed the estimated maximal expected allele frequency of a pathogenic CTNS variant (0.0025). This variant was reported in multiple patients with cystinosis, including 2 compound heterozigotes with CTNS p.S298N and 57 kb deletion, respectively and in one homozygote with osteogenesis imperfecta (Shotelersuk_AJHG_1998, Kalatzis_HMG_2004). In addition, one reputable database classified this variant as pathogenic. Taken together, this variant is classified as pathogenic.

GeneReviews
No classification provided. Condition: Nephropathic cystinosis. Review status: no classification provided. Collection method: literature only. Allele origin: unknown. Not counted in ClinVar's aggregate classification.

Literature cited by the submitters: PubMed 15128704 (cited by 3 submitters); PubMed 22232659 (cited by 3 submitters); PubMed 9792862 (cited by 3 submitters); PubMed 22528245 (cited by 3 submitters); PubMed 28983406 (cited by Labcorp Genetics (formerly Invitae), Labcorp and Natera, Inc.); PubMed 20301574 (cited by GeneReviews); NCBI Bookshelf NBK1400 (cited by GeneReviews).

NM_004937.3(CTNS):c.613G>A (p.Asp205Asn)

Genes: CTNS (cystinosin, lysosomal cystine transporter; plus strand), CTNS-AS1 (CTNS antisense RNA 1; minus strand). Cytogenetic location: 17p13.2.
Variant type: single nucleotide variant.
Coding change: c.613G>A on transcript NM_004937.3 (MANE Select); coding-DNA position 613, G replaced by A.
Protein change: p.Asp205Asn; replaces aspartic acid 205 with asparagine.
Molecular consequence: missense variant.
Genome position (GRCh38, 1-based): chr17:3,656,727, G>A. VCF-style: chr17-3656727-G-A. GRCh37 (hg19) VCF-style: chr17-3560021-G-A.
Other names: c.613G>A, p.Asp205Asn (NM_001031681.3, NM_001374492.1); c.172G>A, p.Asp58Asn (NM_001374493.1, NM_001374494.1, NM_001374495.1 and 1 more transcripts); short protein forms D205N, D58N.
Identifiers: ClinVar variation 21440 (VCV000021440.18), dbSNP rs113994208, ClinGen allele CA342077.